The following is an entry in ClinVar:

ClinVar aggregate classification (germline): Pathogenic (1 of 4 stars; one submission).

Conditions:
Hereditary spastic paraplegia 4. Also called: Familial spastic paraplegia autosomal dominant 2; Spastic paraplegia 4, autosomal dominant; Spastic Paraplegia 4. Identifiers: Orphanet 100985, MedGen C1866855, MONDO:0008438, OMIM 182601.

Submission:

Labcorp Genetics (formerly Invitae), Labcorp
Classification: Pathogenic for Hereditary spastic paraplegia 4. Last evaluated: 2022-08-17. Review status: criteria provided, single submitter. Criteria: Invitae Variant Classification Sherloc (09022015). Collection method: clinical testing. Allele origin: germline.
Comment: For these reasons, this variant has been classified as Pathogenic. This variant is also known as c.751insA. This premature translational stop signal has been observed in individual(s) with hereditary spastic paraplegia (PMID: 24417445). This variant is not present in population databases (gnomAD no frequency). This sequence change creates a premature translational stop signal (p.Thr251Asnfs*15) in the SPAST gene. It is expected to result in an absent or disrupted protein product. Loss-of-function variants in SPAST are known to be pathogenic (PMID: 20932283).

Literature cited by the submitters: PubMed 24417445; PubMed 20932283.

NM_014946.4(SPAST):c.751dup (p.Thr251fs)

Gene: SPAST (spastin; plus strand). Cytogenetic location: 2p22.3.
Variant type: Duplication.
Coding change: c.751dup on transcript NM_014946.4 (MANE Select); coding-DNA position 751, one base duplicated (A; older notation c.751dupA).
Protein change: p.Thr251fs; shifts the reading frame from threonine 251.
Molecular consequence: frameshift variant.
Genome position (GRCh38, 1-based): chr2:32,114,706, A duplicated; the last of 5 consecutive A bases (chr2:32,114,702-32,114,706); duplicating any one gives the same sequence. VCF-style (leftmost placement, unchanged base first): chr2-32114701-C-CA. GRCh37 (hg19) VCF-style: chr2-32339770-C-CA.
Other names: c.748dup, p.Thr250fs (NM_001363823.2); c.652dup, p.Thr218fs (NM_001363875.2); c.655dup, p.Thr219fs (NM_001377959.1, NM_199436.2); short protein forms T219fs, T251fs, T250fs, T218fs.
Identifiers: ClinVar variation 2203036 (VCV002203036.4), dbSNP rs2465835167, ClinGen allele CA2580066369.